The following is an entry in ClinVar:

ClinVar aggregate classification (germline): Conflicting classifications of pathogenicity. Review status: criteria provided, conflicting classifications (1 of 4 stars). 2 submissions from 2 submitters: Likely pathogenic (1); Uncertain significance (1). Last evaluated 2023-12-12.

Conditions:
Werner syndrome (WRN). Identifiers: Orphanet 902, MedGen C0043119, MONDO:0010196, OMIM 277700.

gnomAD v4.1: 2 of 1,600,328 alleles (0.00012%); highest among the groups gnomAD compares: East Asian, 0.0022%; no homozygotes.

Submissions (2):

Baylor Genetics
Classification: Likely pathogenic for Werner syndrome. Last evaluated: 2023-12-12. Review status: criteria provided, single submitter. Criteria: ACMG Guidelines, 2015. Collection method: clinical testing. Allele origin: unknown.

Labcorp Genetics (formerly Invitae), Labcorp
Classification: Uncertain significance for Werner syndrome. Last evaluated: 2020-11-11. Review status: criteria provided, single submitter. Criteria: Invitae Variant Classification Sherloc (09022015). Collection method: clinical testing. Allele origin: germline.
Comment: This sequence change replaces glutamic acid with glutamine at codon 242 of the WRN protein (p.Glu242Gln). The glutamic acid residue is weakly conserved and there is a small physicochemical difference between glutamic acid and glutamine. RNA analysis indicates that this variant induces altered splicing and may result in an absent or disrupted protein product. This variant is present in population databases (rs769959338, ExAC no frequency). In summary, the available evidence is currently insufficient to determine the role of this variant in disease. Therefore, it has been classified as a Variant of Uncertain Significance. Nucleotide substitutions within the consensus splice site are a relatively common cause of aberrant splicing (PMID: 17576681, 9536098). Studies have shown that this variant is associated with skipping of exon 7, which introduces a frameshift (PMID: 27667302). The resulting mRNA is expected to undergo nonsense-mediated decay. Algorithms developed to predict the effect of missense changes on protein structure and function are either unavailable or do not agree on the potential impact of this missense change (SIFT: "Not Available"; PolyPhen-2: "Benign"; Align-GVGD: "Not Available"). This variant has been observed homozygous in an individual with clinical features of Werner syndrome (PMID: 27667302).

Literature cited by the submitters: PubMed 17576681 (cited by Labcorp Genetics (formerly Invitae), Labcorp); PubMed 9536098 (cited by Labcorp Genetics (formerly Invitae), Labcorp); PubMed 27667302 (cited by Labcorp Genetics (formerly Invitae), Labcorp).

NM_000553.6(WRN):c.724G>C (p.Glu242Gln)

Gene: WRN (WRN RecQ like helicase; plus strand). Cytogenetic location: 8p12.
Variant type: single nucleotide variant.
Coding change: c.724G>C on transcript NM_000553.6 (MANE Select); coding-DNA position 724, G replaced by C.
Protein change: p.Glu242Gln; replaces glutamic acid 242 with glutamine.
Molecular consequence: missense variant.
Genome position (GRCh38, 1-based): chr8:31,068,327, G>C. VCF-style: chr8-31068327-G-C. GRCh37 (hg19) VCF-style: chr8-30925843-G-C.
Other names: short protein forms E242Q.
Identifiers: ClinVar variation 1405706 (VCV001405706.5), dbSNP rs769959338, ClinGen allele CA4704141.